The following is an entry in ClinVar:

ClinVar aggregate classification (germline): Likely pathogenic (1 of 4 stars; one submission).

Conditions:
Combined malonic and methylmalonic acidemia. Identifiers: Orphanet 289504, MedGen C3280314, MONDO:0013661, OMIM 614265.

Submission:

Natera, Inc.
Classification: Likely pathogenic for Combined malonic and methylmalonic aciduria. Last evaluated: 2025-01-08. Review status: criteria provided, single submitter. Criteria: Natera Variant Classification Schema (03/2026). Collection method: clinical testing. Allele origin: germline.
Comment: The c.3G>T variant in ACSF3 is predicted to result in start loss due to disruption of the initiator methionine. This variant is expected to result in nonsense mediated decay, truncation, or a dysfunctional protein product. This variant is rare in the general population with a frequency below the threshold expected for the associated phenotype(s). Given the available evidence, this variant is classified as Likely Pathogenic.

NM_001243279.3(ACSF3):c.3G>T (p.Met1Ile)

Gene: ACSF3 (acyl-CoA synthetase family member 3; plus strand). Cytogenetic location: 16q24.3.
Variant type: single nucleotide variant.
Coding change: c.3G>T on transcript NM_001243279.3 (MANE Select); coding-DNA position 3, G replaced by T.
Protein change: p.Met1Ile; changes the start codon (methionine 1).
Molecular consequence: missense variant, initiator codon variant. On other transcripts: non-coding transcript variant (3), intron variant (1).
Genome position (GRCh38, 1-based): chr16:89,100,684, G>T. VCF-style: chr16-89100684-G-T. GRCh37 (hg19) VCF-style: chr16-89167092-G-T.
Other names: c.3G>T, p.Met1Ile (NM_001127214.4, NM_174917.5); c.-129-1920G>T (NM_001284316.2); short protein forms M1I.
Identifiers: ClinVar variation 4816975 (VCV004816975.1).